The following is an entry in ClinVar:

NM_006059.4(LAMC3):c.1714C>G (p.Pro572Ala)

Genes: LAMC3 (laminin subunit gamma 3; plus strand), LOC126860777 (BRD4-independent group 4 enhancer GRCh37_chr9:133927058-133928257; plus strand). Cytogenetic location: 9q34.12.
Variant type: single nucleotide variant.
Coding change: c.1714C>G on transcript NM_006059.4 (MANE Select); coding-DNA position 1714, C replaced by G.
Protein change: p.Pro572Ala; replaces proline 572 with alanine.
Molecular consequence: missense variant.
Genome position (GRCh38, 1-based): chr9:131,052,574, C>G. VCF-style: chr9-131052574-C-G. GRCh37 (hg19) VCF-style: chr9-133927961-C-G.
Other names: c.1714C>G (NM_006059.3); short protein forms P572A.
Identifiers: ClinVar variation 2042359 (VCV002042359.3), dbSNP rs1834312058, ClinGen allele CA375263933.

ClinVar aggregate classification (germline): Uncertain significance. Review status: criteria provided, multiple submitters, no conflicts (2 of 4 stars). 2 submissions from 2 submitters: Uncertain significance (2). Last evaluated 2025-09-10.

Conditions:
Inborn genetic diseases. Identifiers: MedGen C0950123, MeSH D030342.

Allele frequency attached by ClinVar (database versions not stated): gnomAD 0.00001; TOPMed 0.00001.
gnomAD v4.1: 1 of 1,614,032 alleles (0.000062%); highest among the groups gnomAD compares: African/African-American, 0.0013%; no homozygotes.

Submissions (2):

Ambry Genetics
Classification: Uncertain significance for Inborn genetic diseases. Last evaluated: 2025-09-10. Review status: criteria provided, single submitter. Criteria: Ambry Variant Classification Scheme 2023. Collection method: clinical testing. Allele origin: germline.

Labcorp Genetics (formerly Invitae), Labcorp
Classification: Uncertain significance. Last evaluated: 2022-01-19. Review status: criteria provided, single submitter. Criteria: Invitae Variant Classification Sherloc (09022015). Collection method: clinical testing. Allele origin: germline.
Comment: In summary, the available evidence is currently insufficient to determine the role of this variant in disease. Therefore, it has been classified as a Variant of Uncertain Significance. Algorithms developed to predict the effect of missense changes on protein structure and function (SIFT, PolyPhen-2, Align-GVGD) all suggest that this variant is likely to be tolerated. This variant has not been reported in the literature in individuals affected with LAMC3-related conditions. This variant is not present in population databases (gnomAD no frequency). This sequence change replaces proline, which is neutral and non-polar, with alanine, which is neutral and non-polar, at codon 572 of the LAMC3 protein (p.Pro572Ala).